The following is an entry in ClinVar:

NM_005245.4(FAT1):c.1492G>A (p.Val498Met)

Gene: FAT1 (FAT atypical cadherin 1; minus strand). Cytogenetic location: 4q35.2.
Variant type: single nucleotide variant.
Coding change: c.1492G>A on transcript NM_005245.4 (MANE Select); coding-DNA position 1492, G replaced by A.
Protein change: p.Val498Met; replaces valine 498 with methionine.
Molecular consequence: missense variant.
Genome position (GRCh38, 1-based): chr4:186,708,336, C>T on the plus strand (G>A on the coding strand, the complement: FAT1 is on the minus strand). VCF-style: chr4-186708336-C-T. GRCh37 (hg19) VCF-style: chr4-187629490-C-T.
Other names: short protein forms V498M.
Identifiers: ClinVar variation 2062823 (VCV002062823.4), dbSNP rs200350035, ClinGen allele CA3167456.
Genomic context (GRCh38, chr4:186,708,336, plus strand): 5'-CACCAGTGAAATGGTCAATCGCAAACGGCACATGATTTAAATTTGCGATACTGTATGTCA[C>T]GTACCCGTTCTCACCCTCATCAGGGTCTACGGCACTCAGGCTCATGACAGTAGTACCAAT-3'
Protein context (NP_005236.2, residues 488-508): VDPDEGENGY[Val498Met]TYSIANLNHV

ClinVar aggregate classification (germline): Uncertain significance (1 of 4 stars; one submission).

Allele frequency attached by ClinVar (database versions not stated): gnomAD exomes 0.00004; ExAC 0.00007; TOPMed 0.00016; gnomAD 0.00017; ESP Exome Variant Server 0.00024.
gnomAD v4.1: 94 of 1,613,940 alleles (0.0058%); highest among the groups gnomAD compares: African/African-American, 0.047%; no homozygotes.

Submission:

Labcorp Genetics (formerly Invitae), Labcorp
Classification: Uncertain significance. Last evaluated: 2025-03-17. Review status: criteria provided, single submitter. Criteria: Invitae Variant Classification Sherloc (09022015). Collection method: clinical testing. Allele origin: germline.
Comment: This sequence change replaces valine, which is neutral and non-polar, with methionine, which is neutral and non-polar, at codon 498 of the FAT1 protein (p.Val498Met). This variant is present in population databases (rs200350035, gnomAD 0.06%). This variant has not been reported in the literature in individuals affected with FAT1-related conditions. ClinVar contains an entry for this variant (Variation ID: 2062823). Invitae Evidence Modeling of protein sequence and biophysical properties (such as structural, functional, and spatial information, amino acid conservation, physicochemical variation, residue mobility, and thermodynamic stability) indicates that this missense variant is not expected to disrupt FAT1 protein function with a negative predictive value of 80%. In summary, the available evidence is currently insufficient to determine the role of this variant in disease. Therefore, it has been classified as a Variant of Uncertain Significance.